The following is an entry in ClinVar:

ClinVar aggregate classification (germline): Uncertain significance (1 of 4 stars; one submission).

Allele frequency attached by ClinVar (database versions not stated): ExAC 0.00002; ESP Exome Variant Server 0.00008; gnomAD 0.00011; TOPMed 0.00014; 1000 Genomes Project 30x 0.00031; 1000 Genomes Project 0.00040.
gnomAD v4.1: 35 of 1,612,878 alleles (0.0022%); highest among the groups gnomAD compares: African/African-American, 0.037%; 1 homozygote.

Submission:

Labcorp Genetics (formerly Invitae), Labcorp
Classification: Uncertain significance. Last evaluated: 2023-02-04. Review status: criteria provided, single submitter. Criteria: Invitae Variant Classification Sherloc (09022015). Collection method: clinical testing. Allele origin: germline.
Comment: This sequence change replaces arginine, which is basic and polar, with cysteine, which is neutral and slightly polar, at codon 847 of the TRPC3 protein (p.Arg847Cys). In summary, the available evidence is currently insufficient to determine the role of this variant in disease. Therefore, it has been classified as a Variant of Uncertain Significance. Advanced modeling of protein sequence and biophysical properties (such as structural, functional, and spatial information, amino acid conservation, physicochemical variation, residue mobility, and thermodynamic stability) performed at Invitae indicates that this missense variant is not expected to disrupt TRPC3 protein function. This variant has not been reported in the literature in individuals affected with TRPC3-related conditions. This variant is present in population databases (rs138232580, gnomAD 0.04%).

NM_001130698.2(TRPC3):c.2539C>T (p.Arg847Cys)

Gene: TRPC3 (transient receptor potential cation channel subfamily C member 3; minus strand). Cytogenetic location: 4q27.
Variant type: single nucleotide variant.
Coding change: c.2539C>T on transcript NM_001130698.2 (MANE Select); coding-DNA position 2539, C replaced by T.
Protein change: p.Arg847Cys; replaces arginine 847 with cysteine.
Molecular consequence: missense variant. On other transcripts: intron variant (1).
Genome position (GRCh38, 1-based): chr4:121,899,620, G>A on the plus strand (C>T on the coding strand, the complement: TRPC3 is on the minus strand). VCF-style: chr4-121899620-G-A. GRCh37 (hg19) VCF-style: chr4-122820775-G-A.
Other names: c.2320C>T, p.Arg774Cys (NM_003305.2); c.2463+3232C>T (NM_001366479.2); short protein forms R774C, R847C.
Identifiers: ClinVar variation 2884660 (VCV002884660.3), dbSNP rs138232580, ClinGen allele CA3064722.
Genomic context (GRCh38, chr4:121,899,620, plus strand): 5'-GACATATATGGAATCACATAGAGATCAAGAGATACGTCTAATGAATGCTTACCTGATAAC[G>A]TGTTGGCTGATTGAGAATGCTGTTAAAACTGTGTGATTCAAAAACTCTTGAGTTAGACTG-3'
Protein context (NP_001124170.1, residues 837-857): SFNSILNQPT[Arg847Cys]YQQIMKRLIK